The following is an entry in ClinVar:

NM_004612.4(TGFBR1):c.10G>A (p.Ala4Thr)

Genes: TGFBR1 (transforming growth factor beta receptor 1; plus strand), LOC130002223 (ATAC-STARR-seq lymphoblastoid silent region 20124; plus strand). Cytogenetic location: 9q22.33.
Variant type: single nucleotide variant.
Coding change: c.10G>A on transcript NM_004612.4 (MANE Select); coding-DNA position 10, G replaced by A.
Protein change: p.Ala4Thr; replaces alanine 4 with threonine.
Molecular consequence: missense variant. On other transcripts: 5 prime UTR variant (5), non-coding transcript variant (4), intron variant (8).
Genome position (GRCh38, 1-based): chr9:99,105,215, G>A. VCF-style: chr9-99105215-G-A. GRCh37 (hg19) VCF-style: chr9-101867497-G-A.
Other names: c.10G>A, p.Ala4Thr (NM_001130916.3, NM_001306210.2, NM_001407416.1 and 5 more transcripts); c.-334G>A (NM_001407420.1, NM_001407429.1); c.-303G>A (NM_001407422.1, NM_001407426.1); c.-258G>A (NM_001407428.1); c.-111+1474G>A (NM_001407418.1, NM_001407423.1); c.-111+1109G>A (NM_001407424.1); c.-111+696G>A (NM_001407425.1); c.-111+489G>A (NM_001407434.1); and 2 more; short protein forms A4T.
Identifiers: ClinVar variation 2882555 (VCV002882555.3), dbSNP rs1429700300, ClinGen allele CA374223477.

ClinVar aggregate classification (germline): Uncertain significance (1 of 4 stars; one submission).

Conditions:
Familial thoracic aortic aneurysm and aortic dissection (TAAD). Also called: Thoracic aortic aneurysms and dissections. Identifiers: Orphanet 91387, MedGen C4707243, MONDO:0019625.

Allele frequency attached by ClinVar (database versions not stated): gnomAD exomes 0.00002.
gnomAD v4.1: 21 of 1,082,296 alleles (0.0019%); highest among the groups gnomAD compares: Non-Finnish European, 0.0023%; no homozygotes.

Submission:

Labcorp Genetics (formerly Invitae), Labcorp
Classification: Uncertain significance for Familial thoracic aortic aneurysm and aortic dissection. Last evaluated: 2024-02-29. Review status: criteria provided, single submitter. Criteria: Invitae Variant Classification Sherloc (09022015). Collection method: clinical testing. Allele origin: germline.
Comment: This sequence change replaces alanine, which is neutral and non-polar, with threonine, which is neutral and polar, at codon 4 of the TGFBR1 protein (p.Ala4Thr). The frequency data for this variant in the population databases is considered unreliable, as metrics indicate insufficient coverage at this position in the gnomAD database. This variant has not been reported in the literature in individuals affected with TGFBR1-related conditions. Advanced modeling of protein sequence and biophysical properties (such as structural, functional, and spatial information, amino acid conservation, physicochemical variation, residue mobility, and thermodynamic stability) performed at Invitae indicates that this missense variant is not expected to disrupt TGFBR1 protein function with a negative predictive value of 95%. In summary, the available evidence is currently insufficient to determine the role of this variant in disease. Therefore, it has been classified as a Variant of Uncertain Significance.